The following is an entry in ClinVar:

ClinVar aggregate classification (germline): Uncertain significance (1 of 4 stars; one submission).

Submission:

GeneDx
Classification: Uncertain significance. Last evaluated: 2024-12-16. Review status: criteria provided, single submitter. Criteria: GeneDx Variant Classification Process June 2021. Collection method: clinical testing. Allele origin: germline. Affected: yes.
Comment: Not observed at significant frequency in large population cohorts (gnomAD); In silico analysis indicates that this missense variant does not alter protein structure/function; Has not been previously published as pathogenic or benign to our knowledge.

NM_001206998.2(ZNRF3):c.511G>A (p.Gly171Ser)

Gene: ZNRF3 (zinc and ring finger 3; plus strand). Cytogenetic location: 22q12.1.
Variant type: single nucleotide variant.
Coding change: c.511G>A on transcript NM_001206998.2 (MANE Select); coding-DNA position 511, G replaced by A.
Protein change: p.Gly171Ser; replaces glycine 171 with serine.
Molecular consequence: missense variant.
Genome position (GRCh38, 1-based): chr22:29,043,308, G>A. VCF-style: chr22-29043308-G-A. GRCh37 (hg19) VCF-style: chr22-29439296-G-A.
Other names: c.211G>A, p.Gly71Ser (NM_032173.4); short protein forms G171S, G71S.
Identifiers: ClinVar variation 3906602 (VCV003906602.1).
Genomic context (GRCh38, chr22:29,043,308, plus strand): 5'-GCTTCTTAAAGTAAGCGCACCTTTTAACCAGAGCCCTCTCTTCTTCCTTAGCTGAACCAG[G>A]GCTCTGAAGACCCGCTCAAGAGGCCGGTGGTGTATGTGAAGGGTGCAGATGCCATTAAGC-3'
Protein context (NP_001193927.1, residues 161-181): NPEAIDQLNQ[Gly171Ser]SEDPLKRPVV